The following is an entry in ClinVar:

NM_001035.3(RYR2):c.14846G>T (p.Trp4949Leu)

Gene: RYR2 (ryanodine receptor 2; plus strand). Cytogenetic location: 1q43.
Variant type: single nucleotide variant.
Coding change: c.14846G>T on transcript NM_001035.3 (MANE Select); coding-DNA position 14846, G replaced by T.
Protein change: p.Trp4949Leu; replaces tryptophan 4949 with leucine.
Molecular consequence: missense variant.
Genome position (GRCh38, 1-based): chr1:237,832,589, G>T. VCF-style: chr1-237832589-G-T. GRCh37 (hg19) VCF-style: chr1-237995889-G-T.
Other names: short protein forms W4949L.
Identifiers: ClinVar variation 3071773 (VCV003071773.1), dbSNP rs2528506895, ClinGen allele CA345410847.
Genomic context (GRCh38, chr1:237,832,589, plus strand): 5'-ATACATTTCCTTGACTTTTGCAGGAATCTTATGTCTGGAAGATGTATCAAGAAAGGTGTT[G>T]GGAATTTTTCCCAGCAGGGGATTGCTTCCGGAAACAGTATGAAGACCAGCTAAATTAAAC-3'
Protein context (NP_001026.2, residues 4939-4959): YVWKMYQERC[Trp4949Leu]EFFPAGDCFR

ClinVar aggregate classification (germline): Uncertain significance (1 of 4 stars; one submission).

Conditions:
Catecholaminergic polymorphic ventricular tachycardia (CVPT). Also called: Catecholamine-induced polymorphic ventricular tachycardia. Identifiers: Orphanet 3286, MedGen C5574922, MONDO:0017990.

Submission:

All of Us Research Program, National Institutes of Health
Classification: Uncertain significance for Catecholaminergic polymorphic ventricular tachycardia. Last evaluated: 2023-06-26. Review status: criteria provided, single submitter. Criteria: ACMG Guidelines, 2015. Collection method: clinical testing. Allele origin: germline. Inheritance: Autosomal dominant inheritance. Observed: 1 variant allele, 1 heterozygote.
Comment: This missense variant replaces tryptophan with leucine at codon 4949 of the RYR2 protein. Computational prediction suggests that this variant may have deleterious impact on protein structure and function (internally defined REVEL score threshold >= 0.7, PMID: 27666373). To our knowledge, functional studies have not been reported for this variant. This variant has not been reported in individuals affected with RYR2-related disorders in the literature. This variant has not been identified in the general population by the Genome Aggregation Database (gnomAD). The available evidence is insufficient to determine the role of this variant in disease conclusively. Therefore, this variant is classified as a Variant of Uncertain Significance.

This study involves interpretation of variants in research participants for the purpose of population health screening. Participant phenotype was not available at the time of variant classification. Additional details can be found in publication PMID: 35346344, PMCID: PMC8962531